The following is an entry in ClinVar:

NM_201596.3(CACNB2):c.1817delinsTGTGT (p.Arg606fs)

Gene: CACNB2 (calcium voltage-gated channel auxiliary subunit beta 2; plus strand). Cytogenetic location: 10p12.31.
Variant type: Indel.
Coding change: c.1817delinsTGTGT on transcript NM_201596.3 (MANE Select); coding-DNA position 1817, G replaced by TGTGT.
Protein change: p.Arg606fs; shifts the reading frame from arginine 606.
Molecular consequence: frameshift variant.
Genome position (GRCh38, 1-based): chr10:18,539,558, G replaced by TGTGT. VCF-style: chr10-18539558-G-TGTGT. GRCh37 (hg19) VCF-style: chr10-18828487-G-TGTGT.
Other names: c.1652delinsTGTGT, p.Arg551fs (NM_000724.4); c.1619delinsTGTGT, p.Arg540fs (NM_001167945.2); c.1538delinsTGTGT, p.Arg513fs (NM_001330060.2); c.1559delGinsTGTGT, p.Arg520Leufs (NM_001410882.1); c.1673delinsTGTGT, p.Arg558fs (NM_201570.3); c.1733delinsTGTGT, p.Arg578fs (NM_201571.4); c.1661delinsTGTGT, p.Arg554fs (NM_201572.4); c.1655delinsTGTGT, p.Arg552fs (NM_201590.3); and 2 more; short protein forms R582fs, R551fs, R606fs, R513fs, R552fs, R554fs, R568fs, R578fs.
Identifiers: ClinVar variation 1777335 (VCV001777335.2), dbSNP rs2494918844, ClinGen allele CA2580081382.

ClinVar aggregate classification (germline): Uncertain significance (1 of 4 stars; one submission).

Conditions:
Cardiovascular phenotype. Identifiers: MedGen CN230736.

Submission:

Ambry Genetics
Classification: Uncertain significance for Cardiovascular phenotype. Last evaluated: 2019-11-08. Review status: criteria provided, single submitter. Criteria: Ambry Variant Classification Scheme 2023. Collection method: clinical testing. Allele origin: germline.
Comment: The c.1655delGinsTGTGT variant, located in coding exon 13 of the CACNB2 gene, results from the deletion of one nucleotide and insertion of 5 nucleotides causing a translational frameshift with a predicted alternate stop codon (p.R552Lfs*25). Frameshifts are typically deleterious in nature, however, this frameshift occurs at the 3' terminus of CACNB2, is not expected to trigger nonsense-mediated mRNA decay, and impacts only the last 55 amino acids of the protein. In addition, loss of function of CACNB2 has not been clearly established as a mechanism of disease. Since supporting evidence is limited at this time, the clinical significance of this alteration remains unclear.